The following is an entry in ClinVar:

ClinVar aggregate classification (germline): Conflicting classifications of pathogenicity. Review status: criteria provided, conflicting classifications (1 of 4 stars). 4 submissions from 3 submitters: Uncertain significance (3); Likely benign (1). Last evaluated 2024-09-19.

Conditions:
Autosomal recessive nonsyndromic hearing loss 7. Also called: DEAFNESS, AUTOSOMAL RECESSIVE 11. Identifiers: Orphanet 90636, MedGen C1832978, MONDO:0010967, OMIM 600974.
Autosomal dominant nonsyndromic hearing loss 36. Identifiers: Orphanet 90635, MedGen C1847626, MONDO:0011708, OMIM 606705.

Allele frequency attached by ClinVar (database versions not stated): gnomAD exomes 0.00003 and 0.00007; ExAC 0.00007; gnomAD 0.00008 and 0.00010; TOPMed 0.00009; ESP Exome Variant Server 0.00015.
gnomAD v4.1: 63 of 1,613,792 alleles (0.0039%); highest among the groups gnomAD compares: Middle Eastern, 0.082%; no homozygotes.

Submissions (4):

Labcorp Genetics (formerly Invitae), Labcorp
Classification: Uncertain significance. Last evaluated: 2024-09-19. Review status: criteria provided, single submitter. Criteria: Invitae Variant Classification Sherloc (09022015). Collection method: clinical testing. Allele origin: germline.
Comment: This sequence change replaces valine, which is neutral and non-polar, with isoleucine, which is neutral and non-polar, at codon 537 of the TMC1 protein (p.Val537Ile). This variant is present in population databases (rs150206751, gnomAD 0.03%). This variant has not been reported in the literature in individuals affected with TMC1-related conditions. ClinVar contains an entry for this variant (Variation ID: 367259). Invitae Evidence Modeling of protein sequence and biophysical properties (such as structural, functional, and spatial information, amino acid conservation, physicochemical variation, residue mobility, and thermodynamic stability) indicates that this missense variant is not expected to disrupt TMC1 protein function with a negative predictive value of 95%. In summary, the available evidence is currently insufficient to determine the role of this variant in disease. Therefore, it has been classified as a Variant of Uncertain Significance.

GeneDx
Classification: Uncertain significance. Last evaluated: 2023-10-16. Review status: criteria provided, single submitter. Criteria: GeneDx Variant Classification Process June 2021. Collection method: clinical testing. Allele origin: germline. Affected: yes.
Comment: In silico analysis supports that this missense variant does not alter protein structure/function; Has not been previously published as pathogenic or benign to our knowledge

Illumina Laboratory Services, Illumina
Classification: Uncertain significance for Autosomal recessive nonsyndromic hearing loss 7. Last evaluated: 2018-01-13. Review status: criteria provided, single submitter. Criteria: ICSL Variant Classification Criteria 13 December 2019. Collection method: clinical testing. Allele origin: germline.

Illumina Laboratory Services, Illumina
Classification: Likely benign for Autosomal dominant nonsyndromic hearing loss 36. Last evaluated: 2018-01-13. Review status: criteria provided, single submitter. Criteria: ICSL Variant Classification Criteria 13 December 2019. Collection method: clinical testing. Allele origin: germline.
Comment: This variant was observed in the ICSL laboratory as part of a predisposition screen in an ostensibly healthy population. It had not been previously curated by ICSL or reported in the Human Gene Mutation Database (HGMD: prior to June 1st, 2018), and was therefore a candidate for classification through an automated scoring system. Utilizing variant allele frequency, disease prevalence and penetrance estimates, and inheritance mode, an automated score was calculated to assess if this variant is too frequent to cause the disease. Based on the score and internal cut-off values, a variant classified as likely benign is not then subjected to further curation. The score for this variant resulted in a classification of likely benign for this disease.

NM_138691.3(TMC1):c.1609G>A (p.Val537Ile)

Gene: TMC1 (transmembrane channel like 1; plus strand). Cytogenetic location: 9q21.13.
Variant type: single nucleotide variant.
Coding change: c.1609G>A on transcript NM_138691.3 (MANE Select); coding-DNA position 1609, G replaced by A.
Protein change: p.Val537Ile; replaces valine 537 with isoleucine.
Molecular consequence: missense variant.
Genome position (GRCh38, 1-based): chr9:72,805,424, G>A. VCF-style: chr9-72805424-G-A. GRCh37 (hg19) VCF-style: chr9-75420340-G-A.
Other names: short protein forms V537I.
Identifiers: ClinVar variation 367259 (VCV000367259.9), dbSNP rs150206751, ClinGen allele CA5081998.